The following is an entry in ClinVar:

NM_002485.5(NBN):c.1246A>T (p.Met416Leu)

Gene: NBN (nibrin; minus strand). Cytogenetic location: 8q21.3.
Variant type: single nucleotide variant.
Coding change: c.1246A>T on transcript NM_002485.5 (MANE Select); coding-DNA position 1246, A replaced by T.
Protein change: p.Met416Leu; replaces methionine 416 with leucine.
Molecular consequence: missense variant.
Genome position (GRCh38, 1-based): chr8:89,955,434, T>A on the plus strand (A>T on the coding strand, the complement: NBN is on the minus strand). VCF-style: chr8-89955434-T-A. GRCh37 (hg19) VCF-style: chr8-90967662-T-A.
Other names: c.1000A>T, p.Met334Leu (NM_001024688.3); short protein forms M416L, M334L.
Identifiers: ClinVar variation 1488167 (VCV001488167.8), dbSNP rs1554559222, ClinGen allele CA371656275.

ClinVar aggregate classification (germline): Uncertain significance (1 of 4 stars; one submission).

Conditions:
Microcephaly, normal intelligence and immunodeficiency (NBS). Also called: BERLIN BREAKAGE SYNDROME; Nijmegen breakage syndrome; Microcephaly with normal intelligence immunodeficiency and lymphoreticular malignancies; Nonsyndromal microcephaly autosomal recessive with normal intelligence; Seemanova syndrome 2; IMMUNODEFICIENCY, MICROCEPHALY, AND CHROMOSOMAL INSTABILITY. Identifiers: Orphanet 647, MedGen C0398791, MONDO:0009623, OMIM 251260.

Submission:

Labcorp Genetics (formerly Invitae), Labcorp
Classification: Uncertain significance for Microcephaly, normal intelligence and immunodeficiency. Last evaluated: 2022-03-07. Review status: criteria provided, single submitter. Criteria: Invitae Variant Classification Sherloc (09022015). Collection method: clinical testing. Allele origin: germline.
Comment: In summary, the available evidence is currently insufficient to determine the role of this variant in disease. Therefore, it has been classified as a Variant of Uncertain Significance. Algorithms developed to predict the effect of missense changes on protein structure and function output the following: SIFT: "Tolerated"; PolyPhen-2: "Benign"; Align-GVGD: "Class C0". The leucine amino acid residue is found in multiple mammalian species, which suggests that this missense change does not adversely affect protein function. This variant has not been reported in the literature in individuals affected with NBN-related conditions. This variant is not present in population databases (gnomAD no frequency). This sequence change replaces methionine, which is neutral and non-polar, with leucine, which is neutral and non-polar, at codon 416 of the NBN protein (p.Met416Leu).